The following is an entry in ClinVar:

ClinVar aggregate classification (germline): Uncertain significance (1 of 4 stars; one submission).

Conditions:
Neurodevelopmental disorder with or without hyperkinetic movements and seizures, autosomal dominant. Also called: Intellectual disability, autosomal dominant 8. Identifiers: MedGen C3280282, MONDO:0013655, OMIM 614254.

gnomAD v4.1: 1 of 1,612,684 alleles (0.000062%); highest among the groups gnomAD compares: Non-Finnish European, 0.000085%; no homozygotes.

Submission:

Labcorp Genetics (formerly Invitae), Labcorp
Classification: Uncertain significance for Neurodevelopmental disorder with or without hyperkinetic movements and seizures, autosomal dominant. Last evaluated: 2025-09-14. Review status: criteria provided, single submitter. Criteria: Invitae Variant Classification Sherloc (09022015). Collection method: clinical testing. Allele origin: germline.
Comment: This sequence change replaces lysine, which is basic and polar, with methionine, which is neutral and non-polar, at codon 465 of the GRIN1 protein (p.Lys465Met). This variant is present in population databases (rs751388174, gnomAD 0.0009%). This variant has not been reported in the literature in individuals affected with GRIN1-related conditions. Invitae Evidence Modeling of protein sequence and biophysical properties (such as structural, functional, and spatial information, amino acid conservation, physicochemical variation, residue mobility, and thermodynamic stability) has been performed for this missense variant. However, the output from this modeling did not meet the statistical confidence thresholds required to predict the impact of this variant on GRIN1 protein function. In summary, the available evidence is currently insufficient to determine the role of this variant in disease. Therefore, it has been classified as a Variant of Uncertain Significance.

NM_007327.4(GRIN1):c.1394A>T (p.Lys465Met)

Gene: GRIN1 (glutamate ionotropic receptor NMDA type subunit 1; plus strand). Cytogenetic location: 9q34.3.
Variant type: single nucleotide variant.
Coding change: c.1394A>T on transcript NM_007327.4 (MANE Select); coding-DNA position 1394, A replaced by T.
Protein change: p.Lys465Met; replaces lysine 465 with methionine.
Molecular consequence: missense variant.
Genome position (GRCh38, 1-based): chr9:137,161,343, A>T. VCF-style: chr9-137161343-A-T. GRCh37 (hg19) VCF-style: chr9-140055795-A-T.
Other names: c.1394A>T, p.Lys465Met (NM_000832.7, NM_021569.4); c.1457A>T, p.Lys486Met (NM_001185090.2, NM_001185091.2, NM_001437330.1 and 1 more transcripts); short protein forms K465M, K486M.
Identifiers: ClinVar variation 4761201 (VCV004761201.1).